The following is an entry in ClinVar:

NM_000836.4(GRIN2D):c.3133C>T (p.Leu1045Phe)

Gene: GRIN2D (glutamate ionotropic receptor NMDA type subunit 2D; plus strand). Cytogenetic location: 19q13.33.
Variant type: single nucleotide variant.
Coding change: c.3133C>T on transcript NM_000836.4 (MANE Select); coding-DNA position 3133, C replaced by T.
Protein change: p.Leu1045Phe; replaces leucine 1045 with phenylalanine.
Molecular consequence: missense variant.
Genome position (GRCh38, 1-based): chr19:48,443,059, C>T. VCF-style: chr19-48443059-C-T. GRCh37 (hg19) VCF-style: chr19-48946316-C-T.
Other names: short protein forms L1045F.
Identifiers: ClinVar variation 3102503 (VCV003102503.3), dbSNP rs1569075044, ClinGen allele CA406674941.

ClinVar aggregate classification (germline): Uncertain significance. Review status: criteria provided, multiple submitters, no conflicts (2 of 4 stars). 2 submissions from 2 submitters: Uncertain significance (2). Last evaluated 2025-06-17.

Conditions:
Inborn genetic diseases. Identifiers: MedGen C0950123, MeSH D030342.

Allele frequency attached by ClinVar (database versions not stated): gnomAD exomes below 0.00001.
gnomAD v4.1: 2 of 1,045,152 alleles (0.00019%); highest among the groups gnomAD compares: Non-Finnish European, 0.00023%; no homozygotes.

Submissions (2):

Dasa
Classification: Uncertain significance. Last evaluated: 2025-06-17. Review status: criteria provided, single submitter. Criteria: DASA Assertion Criteria. Collection method: clinical testing. Allele origin: germline.
Comment: NM_000836.4(GRIN2D):c.3133C>T (p.Leu1045Phe) is a missense variant that results in the substitution of leucine with phenylalanine. This variant is rare in population databases. Computational prediction algorithms are consistent with a benign effect. The currently available literature and clinical evidence are not sufficient to establish a definitive association between this variant and the reported condition. Therefore, this variant is classified as a variant of uncertain significance.

Ambry Genetics
Classification: Uncertain significance for Inborn genetic diseases. Last evaluated: 2023-11-07. Review status: criteria provided, single submitter. Criteria: Ambry Variant Classification Scheme 2023. Collection method: clinical testing. Allele origin: germline.